The following is an entry in ClinVar:

NM_001130009.3(GEN1):c.2650G>C (p.Glu884Gln)

Gene: GEN1 (GEN1 Holliday junction 5' flap endonuclease; plus strand). Cytogenetic location: 2p24.2.
Variant type: single nucleotide variant.
Coding change: c.2650G>C on transcript NM_001130009.3 (MANE Select); coding-DNA position 2650, G replaced by C.
Protein change: p.Glu884Gln; replaces glutamic acid 884 with glutamine.
Molecular consequence: missense variant.
Genome position (GRCh38, 1-based): chr2:17,781,862, G>C. VCF-style: chr2-17781862-G-C. GRCh37 (hg19) VCF-style: chr2-17963129-G-C.
Other names: c.2650G>C, p.Glu884Gln (NM_182625.5); short protein forms E884Q.
Identifiers: ClinVar variation 2256218 (VCV002256218.3), dbSNP rs2545635041, ClinGen allele CA345928524.

ClinVar aggregate classification (germline): Uncertain significance (1 of 4 stars; one submission).

Submission:

Ambry Genetics
Classification: Uncertain significance. Last evaluated: 2025-02-22. Review status: criteria provided, single submitter. Criteria: Ambry Variant Classification Scheme 2023. Collection method: clinical testing. Allele origin: germline.
Comment: The p.E884Q variant (also known as c.2650G>C), located in coding exon 13 of the GEN1 gene, results from a G to C substitution at nucleotide position 2650. The glutamic acid at codon 884 is replaced by glutamine, an amino acid with highly similar properties. This amino acid position is conserved. In addition, this alteration is predicted to be tolerated by in silico analysis. Based on the available evidence, the clinical significance of this variant remains unclear.